The following is an entry in ClinVar:

ClinVar aggregate classification (germline): Uncertain significance. Review status: criteria provided, multiple submitters, no conflicts (2 of 4 stars). 2 submissions from 2 submitters: Uncertain significance (2). Last evaluated 2023-08-03.

Conditions:
Tremor, hereditary essential, 4 (ETM4). Identifiers: MedGen C3539195, MONDO:0013888, OMIM 614782.
Amyotrophic lateral sclerosis type 6. Also called: Amyotrophic lateral sclerosis 6, with or without frontotemporal dementia; FUS-Related Amyotrophic Laterial Sclerosis; AMYOTROPHIC LATERAL SCLEROSIS 6 WITHOUT FRONTOTEMPORAL DEMENTIA. Identifiers: Orphanet 275872, Orphanet 803, MedGen C2931786, MONDO:0011951, OMIM 608030.

Allele frequency attached by ClinVar (database versions not stated): gnomAD exomes below 0.00001 and 0.00001; TOPMed below 0.00001; gnomAD 0.00001.
gnomAD v4.1: 9 of 1,614,120 alleles (0.00056%); highest among the groups gnomAD compares: Non-Finnish European, 0.00076%; no homozygotes.

Submissions (2):

Labcorp Genetics (formerly Invitae), Labcorp
Classification: Uncertain significance for Tremor, hereditary essential, 4; Amyotrophic lateral sclerosis type 6. Last evaluated: 2023-08-03. Review status: criteria provided, single submitter. Criteria: Invitae Variant Classification Sherloc (09022015). Collection method: clinical testing. Allele origin: germline.
Comment: This sequence change replaces serine, which is neutral and polar, with glycine, which is neutral and non-polar, at codon 61 of the FUS protein (p.Ser61Gly). This variant is present in population databases (no rsID available, gnomAD 0.0009%). This variant has not been reported in the literature in individuals affected with FUS-related conditions. ClinVar contains an entry for this variant (Variation ID: 1013097). Experimental studies and prediction algorithms are not available or were not evaluated, and the functional significance of this variant is currently unknown. In summary, the available evidence is currently insufficient to determine the role of this variant in disease. Therefore, it has been classified as a Variant of Uncertain Significance.

CeGaT Center for Human Genetics Tuebingen
Classification: Uncertain significance. Last evaluated: 2020-11-01. Review status: criteria provided, single submitter. Criteria: CeGaT Center For Human Genetics Tuebingen Variant Classification Criteria Version 2. Collection method: clinical testing. Allele origin: germline. Affected: yes. Observed: 1 variant allele.

NM_004960.4(FUS):c.181A>G (p.Ser61Gly)

Gene: FUS (FUS DNA/RNA binding protein; plus strand). Cytogenetic location: 16p11.2.
Variant type: single nucleotide variant.
Coding change: c.181A>G on transcript NM_004960.4 (MANE Select); coding-DNA position 181, A replaced by G.
Protein change: p.Ser61Gly; replaces serine 61 with glycine.
Molecular consequence: missense variant. On other transcripts: non-coding transcript variant (1).
Genome position (GRCh38, 1-based): chr16:31,182,655, A>G. VCF-style: chr16-31182655-A-G. GRCh37 (hg19) VCF-style: chr16-31193976-A-G.
Other names: c.181A>G, p.Ser61Gly (NM_001170634.1, NM_001170937.1); short protein forms S61G.
Identifiers: ClinVar variation 1013097 (VCV001013097.41), dbSNP rs1481060391, ClinGen allele CA395665302.
Genomic context (GRCh38, chr16:31,182,655, plus strand): 5'-TATAGCCAGTCCACGGACACTTCAGGCTATGGCCAGAGCAGCTATTCTTCTTATGGCCAG[A>G]GCCAGAACAGTGAGTCTTTCTCAGCGGGTCACCTCTTCCTACTCTTTCTGAATATTGCTT-3'
Protein context (NP_004951.1, residues 51-71): GQSSYSSYGQ[Ser61Gly]QNTGYGTQST